The following is an entry in ClinVar:

NM_001354604.2(MITF):c.303T>A (p.Ser101Arg)

Gene: MITF (melanocyte inducing transcription factor; plus strand). Cytogenetic location: 3p13.
Variant type: single nucleotide variant.
Coding change: c.303T>A on transcript NM_001354604.2 (MANE Select); coding-DNA position 303, T replaced by A.
Protein change: p.Ser101Arg; replaces serine 101 with arginine.
Molecular consequence: missense variant. On other transcripts: genic upstream transcript variant (1).
Genome position (GRCh38, 1-based): chr3:69,879,332, T>A. VCF-style: chr3-69879332-T-A. GRCh37 (hg19) VCF-style: chr3-69928483-T-A.
Other names: c.147T>A, p.Ser49Arg (NM_001184967.2, NM_001354608.2); c.300T>A, p.Ser100Arg (NM_001354605.2, NM_001354606.2, NM_006722.3); c.252T>A, p.Ser84Arg (NM_001354607.2); c.303T>A, p.Ser101Arg (NM_198159.3); c.255T>A, p.Ser85Arg (NM_198177.3); c.-57391T>A (NM_000248.4); short protein forms S100R, S101R, S49R, S84R, S85R.
Identifiers: ClinVar variation 4688260 (VCV004688260.1).

ClinVar aggregate classification (germline): Uncertain significance (1 of 4 stars; one submission).

Submission:

Women's Health and Genetics/Laboratory Corporation of America, LabCorp
Classification: Uncertain significance. Last evaluated: 2025-12-16. Review status: criteria provided, single submitter. Criteria: LabCorp Variant Classification Summary - May 2015. Collection method: clinical testing. Allele origin: germline.
Comment: Variant summary: MITF c.-57391T>A is located in the untranscribed region upstream of the MITF gene region. The variant was absent in 249082 control chromosomes. The available data on variant occurrences in the general population are insufficient to allow any conclusion about variant significance. To our knowledge, no occurrence of c.-57391T>A in individuals affected with MITF-related conditions and no experimental evidence demonstrating its impact on protein function have been reported. No submitters have cited clinical-significance assessments for this variant to ClinVar. Based on the evidence outlined above, the variant was classified as uncertain significance.